The following is an entry in ClinVar:

NM_001943.5(DSG2):c.813A>G (p.Val271=)

Gene: DSG2 (desmoglein 2; plus strand). Cytogenetic location: 18q12.1.
Variant type: single nucleotide variant.
Coding change: c.813A>G on transcript NM_001943.5 (MANE Select); coding-DNA position 813, A replaced by G.
Protein change: p.Val271=; no amino-acid change (valine 271 retained).
Molecular consequence: synonymous variant.
Genome position (GRCh38, 1-based): chr18:31,524,570, A>G. VCF-style: chr18-31524570-A-G. GRCh37 (hg19) VCF-style: chr18-29104533-A-G.
Identifiers: ClinVar variation 921645 (VCV000921645.11), dbSNP rs769992634, ClinGen allele CA050019.

ClinVar aggregate classification (germline): Likely benign. Review status: criteria provided, multiple submitters, no conflicts (2 of 4 stars). 3 submissions from 3 submitters: Likely benign (3). Last evaluated 2024-12-27.

Conditions:
Cardiomyopathy (CMYO). Also called: Cardiomyopathies. Identifiers: Orphanet 167848, MedGen C0878544, MONDO:0004994, HP:0001638. Inheritance: Various modes of inheritance.
Arrhythmogenic right ventricular cardiomyopathy (ARVD). Also called: Arrhythmogenic cardiomyopathy; Cardiomyopathy, ARVC; Arrhythmogenic right ventricular dysplasia; Arrhythmogenic Right Ventricular Cardiomyopathy (ARVC). Identifiers: Orphanet 247, MedGen C0349788, MeSH D019571, MONDO:0016587. Disease mechanism: loss of function. Inheritance: Various modes of inheritance.
Arrhythmogenic right ventricular dysplasia 10. Also called: Arrhythmogenic Right Ventricular Dysplasia/Cardiomyopathy10; ARRHYTHMOGENIC RIGHT VENTRICULAR DYSPLASIA, FAMILIAL, 10; Arrhythmogenic right ventricular dysplasia/cardiomyopathy, type 10. Identifiers: MedGen C1857777, MONDO:0012434, OMIM 610193.

Allele frequency attached by ClinVar (database versions not stated): gnomAD exomes below 0.00001 and 0.00001; ExAC 0.00001.
gnomAD v4.1: 6 of 1,614,044 alleles (0.00037%); highest among the groups gnomAD compares: South Asian, 0.0066%; no homozygotes.

Submissions (3):

Labcorp Genetics (formerly Invitae), Labcorp
Classification: Likely benign for Arrhythmogenic right ventricular dysplasia 10. Last evaluated: 2024-12-27. Review status: criteria provided, single submitter. Criteria: Invitae Variant Classification Sherloc (09022015). Collection method: clinical testing. Allele origin: germline.

All of Us Research Program, National Institutes of Health
Classification: Likely benign for Arrhythmogenic right ventricular cardiomyopathy. Last evaluated: 2023-08-08. Review status: criteria provided, single submitter. Criteria: ACMG Guidelines, 2015. Collection method: clinical testing. Allele origin: germline. Inheritance: Autosomal dominant inheritance. Observed: 2 variant alleles, 2 heterozygotes.
Comment: This study involves interpretation of variants in research participants for the purpose of population health screening. Participant phenotype was not available at the time of variant classification. Additional details can be found in publication PMID: 35346344, PMCID: PMC8962531

Color Diagnostics, LLC DBA Color Health
Classification: Likely benign for Cardiomyopathy. Last evaluated: 2019-04-28. Review status: criteria provided, single submitter. Criteria: ACMG Guidelines, 2015. Collection method: clinical testing. Allele origin: germline.